The following is an entry in ClinVar:

NM_153816.6(SNX14):c.1132C>T (p.Arg378Ter)

Gene: SNX14 (sorting nexin 14; minus strand). Cytogenetic location: 6q14.3.
Variant type: single nucleotide variant.
Coding change: c.1132C>T on transcript NM_153816.6 (MANE Select); coding-DNA position 1132, C replaced by T.
Protein change: p.Arg378Ter; replaces arginine 378 with a stop codon.
Molecular consequence: nonsense. On other transcripts: 5 prime UTR variant (6), non-coding transcript variant (6).
Genome position (GRCh38, 1-based): chr6:85,543,737, G>A on the plus strand (C>T on the coding strand, the complement: SNX14 is on the minus strand). VCF-style: chr6-85543737-G-A. GRCh37 (hg19) VCF-style: chr6-86253455-G-A.
Other names: c.1132C>T, p.Arg378Ter (NM_001297614.3, NM_001350540.2, NM_001350541.2); c.976C>T, p.Arg326Ter (NM_001304479.2); c.1195C>T, p.Arg399Ter (NM_001350532.2); c.1129C>T, p.Arg377Ter (NM_001350533.2, NM_001350534.2, NM_001350535.2); c.1000C>T, p.Arg334Ter (NM_001350536.2, NM_020468.6); c.997C>T, p.Arg333Ter (NM_001350537.2); c.988C>T, p.Arg330Ter (NM_001350538.2); c.973C>T, p.Arg325Ter (NM_001350539.2); and 6 more; short protein forms R378*, R326*, R334*, R281*, R399*, R278*, R28*, R333*.
Identifiers: ClinVar variation 190318 (VCV000190318.5), dbSNP rs786205229, ClinGen allele CA199666.

ClinVar aggregate classification (germline): Pathogenic. Review status: criteria provided, multiple submitters, no conflicts (2 of 4 stars). 3 submissions from 3 submitters: Pathogenic (2). 1 of the submissions does not count toward it. Last evaluated 2024-10-04.

Conditions:
Autosomal recessive spinocerebellar ataxia 20. Identifiers: Orphanet 397709, MedGen C5190595, MONDO:0014601, OMIM 616354.
Spinocerebellar atrophy. Also called: Spinocerebellar ataxia. Identifiers: MedGen C0087012, MeSH D020754, HP:0007263.

Allele frequency attached by ClinVar (database versions not stated): gnomAD 0.00001; gnomAD exomes 0.00001; TOPMed 0.00002.

Submissions (3):

Dubai Health Genomic Medicine Center, Dubai Health
Classification: Pathogenic for Spinocerebellar ataxia. Last evaluated: 2024-10-04. Review status: criteria provided, single submitter. Criteria: ACMG Guidelines, 2015. Collection method: research. Allele origin: germline. Affected: yes.
Comment: PVS1,PS3,PM2

GeneDx
Classification: Pathogenic. Last evaluated: 2024-04-30. Review status: criteria provided, single submitter. Criteria: GeneDx Variant Classification Process June 2021. Collection method: clinical testing. Allele origin: germline. Affected: yes.
Comment: Published functional studies demonstrate that R378X is a null variant, resulting in undetectable protein expression, decreased mRNA levels, engorged lysosomes, and dysfunctional autophagic degradation (PMID: 25848753); Nonsense variant predicted to result in protein truncation or nonsense mediated decay in a gene for which loss of function is a known mechanism of disease; This variant is associated with the following publications: (PMID: 25848753, 33193593)

OMIM
Classification: Pathogenic for SPINOCEREBELLAR ATAXIA, AUTOSOMAL RECESSIVE 20. Last evaluated: 2015-05-01. Review status: no assertion criteria provided. Collection method: literature only. Allele origin: germline. Not counted in ClinVar's aggregate classification.

Literature cited by the submitters: PubMed 25848753 (cited by OMIM).